The following is an entry in ClinVar:

ClinVar aggregate classification (germline): Likely pathogenic (1 of 4 stars; one submission).

Conditions:
Global developmental delay with or without impaired intellectual development. Identifiers: MedGen C5193032, MONDO:0032680, OMIM 618330.

Submission:

Institute of Human Genetics, University of Leipzig Medical Center
Classification: Likely pathogenic for Global developmental delay with or without impaired intellectual development. Last evaluated: 2022-12-19. Review status: criteria provided, single submitter. Criteria: ACMG Guidelines, 2015. Collection method: clinical testing. Allele origin: paternal. Affected: yes.
Comment: Criteria applied: PVS1, PM2_Supporting

NM_181552.4(CUX1):c.1058del (p.Glu353fs)

Gene: CUX1 (cut like homeobox 1; plus strand). Cytogenetic location: 7q22.1.
Variant type: Deletion.
Coding change: c.1058del on transcript NM_181552.4 (MANE Select); coding-DNA position 1058, one base deleted (A; older notation c.1058delA).
Protein change: p.Glu353fs; shifts the reading frame from glutamic acid 353.
Molecular consequence: frameshift variant.
Genome position (GRCh38, 1-based): chr7:102,189,853, A deleted. VCF-style (leftmost placement, unchanged base first): chr7-102189852-GA-G. GRCh37 (hg19) VCF-style: chr7-101833132-GA-G.
Other names: c.1091del, p.Glu364fs (NM_001202543.2, NM_001913.5); c.1043del, p.Glu348fs (NM_001202544.3); c.953del, p.Glu318fs (NM_001202545.3); c.974del, p.Glu325fs (NM_001202546.3); c.1085del, p.Glu362fs (NM_181500.4); short protein forms E318fs, E325fs, E348fs, E353fs, E362fs, E364fs.
Identifiers: ClinVar variation 1803941 (VCV001803941.1), dbSNP rs2485166999, ClinGen allele CA2580076036.